The following is an entry in ClinVar:

ClinVar aggregate classification (germline): Uncertain significance. Review status: criteria provided, multiple submitters, no conflicts (2 of 4 stars). 3 submissions from 3 submitters: Uncertain significance (3). Last evaluated 2025-01-08.

Conditions:
Cardiofaciocutaneous syndrome 4 (CFC4). Also called: MAP2K2-Related Cardiofaciocutaneous Syndrome. Identifiers: Orphanet 1340, MedGen C3809007, MONDO:0014114, OMIM 615280.
Cardiovascular phenotype. Identifiers: MedGen CN230736.
RASopathy. Also called: rasopathies; Noonan spectrum disorder. Identifiers: Orphanet 536391, MedGen C5555857, MONDO:0021060.

gnomAD v4.1: 2 of 1,613,872 alleles (0.00012%); highest among the groups gnomAD compares: African/African-American, 0.0013%; no homozygotes.

Submissions (3):

Labcorp Genetics (formerly Invitae), Labcorp
Classification: Uncertain significance for RASopathy. Last evaluated: 2025-01-08. Review status: criteria provided, single submitter. Criteria: Invitae Variant Classification Sherloc (09022015). Collection method: clinical testing. Allele origin: germline.
Comment: This sequence change replaces valine, which is neutral and non-polar, with leucine, which is neutral and non-polar, at codon 131 of the MAP2K2 protein (p.Val131Leu). This variant is not present in population databases (gnomAD no frequency). This variant has not been reported in the literature in individuals affected with MAP2K2-related conditions. ClinVar contains an entry for this variant (Variation ID: 1736188). Invitae Evidence Modeling of protein sequence and biophysical properties (such as structural, functional, and spatial information, amino acid conservation, physicochemical variation, residue mobility, and thermodynamic stability) has been performed for this missense variant. However, the output from this modeling did not meet the statistical confidence thresholds required to predict the impact of this variant on MAP2K2 protein function. In summary, the available evidence is currently insufficient to determine the role of this variant in disease. Therefore, it has been classified as a Variant of Uncertain Significance.

Fulgent Genetics
Classification: Uncertain significance for Cardiofaciocutaneous syndrome 4. Last evaluated: 2024-04-30. Review status: criteria provided, single submitter. Criteria: ACMG Guidelines, 2015. Collection method: clinical testing. Allele origin: germline.

Ambry Genetics
Classification: Uncertain significance for Cardiovascular phenotype. Last evaluated: 2022-04-04. Review status: criteria provided, single submitter. Criteria: Ambry Variant Classification Scheme 2023. Collection method: clinical testing. Allele origin: germline.
Comment: The p.V131L variant (also known as c.391G>T), located in coding exon 3 of the MAP2K2 gene, results from a G to T substitution at nucleotide position 391. The valine at codon 131 is replaced by leucine, an amino acid with highly similar properties. This amino acid position is conserved. In addition, this alteration is predicted to be deleterious by in silico analysis. Since supporting evidence is limited at this time, the clinical significance of this alteration remains unclear.

NM_030662.4(MAP2K2):c.391G>T (p.Val131Leu)

Gene: MAP2K2 (mitogen-activated protein kinase kinase 2; minus strand). Cytogenetic location: 19p13.3.
Variant type: single nucleotide variant.
Coding change: c.391G>T on transcript NM_030662.4 (MANE Select); coding-DNA position 391, G replaced by T.
Protein change: p.Val131Leu; replaces valine 131 with leucine.
Molecular consequence: missense variant.
Genome position (GRCh38, 1-based): chr19:4,110,568, C>A on the plus strand (G>T on the coding strand, the complement: MAP2K2 is on the minus strand). VCF-style: chr19-4110568-C-A. GRCh37 (hg19) VCF-style: chr19-4110566-C-A.
Other names: short protein forms V131L.
Identifiers: ClinVar variation 1736188 (VCV001736188.6), dbSNP rs397517413, ClinGen allele CA403391439.
Genomic context (GRCh38, chr19:4,110,568, plus strand): 5'-CCATGTGTTCCATGCAAATGCTGATCTCCCCGTCACTGTAGAAGGCCCCGTAGAAGCCCA[C>A]GATGTACGGCGAGTTGCATTCGTGCAGGACCTGCAGCTCGCGGATGATCTGGTTCCGGAT-3'
Protein context (NP_109587.1, residues 121-141): VLHECNSPYI[Val131Leu]GFYGAFYSDG